The following is an entry in ClinVar:

ClinVar aggregate classification (germline): Uncertain significance. Review status: criteria provided, multiple submitters, no conflicts (2 of 4 stars). 2 submissions from 2 submitters: Uncertain significance (2). Last evaluated 2019-06-26.

Conditions:
BAP1-related tumor predisposition syndrome (TPDS1). Also called: BAP1 tumor predisposition syndrome; COMMON Syndrome; TUMOR PREDISPOSITION SYNDROME 1; Tumor susceptibility linked to germline BAP1 mutations. Identifiers: Orphanet 289539, MedGen C3280492, MONDO:0013692, OMIM 614327.
Hereditary cancer-predisposing syndrome. Also called: Neoplastic Syndromes, Hereditary; Tumor predisposition; Hereditary Cancer Syndrome; Hereditary neoplastic syndrome. Identifiers: Orphanet 140162, MedGen C0027672, MeSH D009386, MONDO:0015356.

Submissions (5):

Color Diagnostics, LLC DBA Color Health
Classification: Uncertain significance for Hereditary cancer-predisposing syndrome. Last evaluated: 2019-06-26. Review status: criteria provided, single submitter. Criteria: ACMG Guidelines, 2015. Collection method: clinical testing. Allele origin: germline.

Labcorp Genetics (formerly Invitae), Labcorp
Classification: Uncertain significance for BAP1-related tumor predisposition syndrome. Last evaluated: 2017-06-17. Review status: criteria provided, single submitter. Criteria: Invitae Variant Classification Sherloc (09022015). Collection method: clinical testing. Allele origin: germline.
Comment: This sequence change replaces asparagine with serine at codon 78 of the BAP1 protein (p.Asn78Ser). The asparagine residue is highly conserved and there is a small physicochemical difference between asparagine and serine. This variant is not present in population databases (ExAC no frequency). This variant has been reported in an individual affected with malignant mesothelioma and family history of cancer (PMID: 26719535). An experimental study has shown that this missense change results in a reduction of BAP1 enzyme activity (PMID: 26719535). In summary, this variant has been reported in an affected individual and shown to affect BAP1 protein function. However, segregation studies have not been reported for this variant. In the absence of additional clinical and/or functional evidence this variant has been classified as a Variant of Uncertain Significance.

Dr. Peter K. Rogan Lab, Western University
No classification provided (evidence only). Condition: Clear cell carcinoma of kidney. Review status: no classification provided. Collection method: in vitro. Allele origin: not applicable. Functional consequence: cryptic splice site. Not counted in ClinVar's aggregate classification.

Dr. Peter K. Rogan Lab, Western University
No classification provided (evidence only). Condition: Clear cell carcinoma of kidney. Review status: no classification provided. Collection method: in vitro. Allele origin: not applicable. Functional consequence: cryptic splice site. Not counted in ClinVar's aggregate classification.

Dr. Peter K. Rogan Lab, Western University
No classification provided (evidence only). Condition: Uveal melanoma. Review status: no classification provided. Collection method: in vitro. Allele origin: not applicable. Functional consequence: cryptic splice site. Not counted in ClinVar's aggregate classification.

Literature cited by the submitters: PubMed 26719535 (cited by Labcorp Genetics (formerly Invitae), Labcorp).

NM_004656.4(BAP1):c.233A>G (p.Asn78Ser)

Gene: BAP1 (BRCA1 associated deubiquitinase 1; minus strand). Cytogenetic location: 3p21.1.
Variant type: single nucleotide variant.
Coding change: c.233A>G on transcript NM_004656.4 (MANE Select); coding-DNA position 233, A replaced by G.
Protein change: p.Asn78Ser; replaces asparagine 78 with serine.
Molecular consequence: missense variant.
Genome position (GRCh38, 1-based): chr3:52,408,496, T>C on the plus strand (A>G on the coding strand, the complement: BAP1 is on the minus strand). VCF-style: chr3-52408496-T-C. GRCh37 (hg19) VCF-style: chr3-52442512-T-C.
Other names: c.233A>G (LRG_529t1); short protein forms N78S.
Identifiers: ClinVar variation 472694 (VCV000472694.9), dbSNP rs1319729011, ClinGen allele CA353113041.